The following is an entry in ClinVar:

ClinVar aggregate classification (germline): Uncertain significance (1 of 4 stars; one submission).

Allele frequency attached by ClinVar (database versions not stated): gnomAD exomes 0.00001; ExAC 0.00002.
gnomAD v4.1: 10 of 1,613,976 alleles (0.00062%); highest among the groups gnomAD compares: East Asian, 0.0045%; no homozygotes.

Submission:

Labcorp Genetics (formerly Invitae), Labcorp
Classification: Uncertain significance. Last evaluated: 2023-09-30. Review status: criteria provided, single submitter. Criteria: Invitae Variant Classification Sherloc (09022015). Collection method: clinical testing. Allele origin: germline.
Comment: In summary, the available evidence is currently insufficient to determine the role of this variant in disease. Therefore, it has been classified as a Variant of Uncertain Significance. Advanced modeling of protein sequence and biophysical properties (such as structural, functional, and spatial information, amino acid conservation, physicochemical variation, residue mobility, and thermodynamic stability) performed at Invitae indicates that this missense variant is expected to disrupt MYSM1 protein function. This variant has not been reported in the literature in individuals affected with MYSM1-related conditions. This variant is present in population databases (rs756917972, gnomAD 0.003%). This sequence change replaces arginine, which is basic and polar, with glutamine, which is neutral and polar, at codon 506 of the MYSM1 protein (p.Arg506Gln).

NM_001085487.3(MYSM1):c.1517G>A (p.Arg506Gln)

Gene: MYSM1 (Myb like, SWIRM and MPN domains 1; minus strand). Cytogenetic location: 1p32.1.
Variant type: single nucleotide variant.
Coding change: c.1517G>A on transcript NM_001085487.3 (MANE Select); coding-DNA position 1517, G replaced by A.
Protein change: p.Arg506Gln; replaces arginine 506 with glutamine.
Molecular consequence: missense variant.
Genome position (GRCh38, 1-based): chr1:58,673,628, C>T on the plus strand (G>A on the coding strand, the complement: MYSM1 is on the minus strand). VCF-style: chr1-58673628-C-T. GRCh37 (hg19) VCF-style: chr1-59139300-C-T.
Other names: short protein forms R506Q.
Identifiers: ClinVar variation 2784193 (VCV002784193.3), dbSNP rs756917972, ClinGen allele CA877771.